The following is an entry in ClinVar:

NM_032043.3(BRIP1):c.2735C>T (p.Thr912Ile)

Gene: BRIP1 (BRCA1 interacting DNA helicase 1; minus strand). Cytogenetic location: 17q23.2.
Variant type: single nucleotide variant.
Coding change: c.2735C>T on transcript NM_032043.3 (MANE Select); coding-DNA position 2735, C replaced by T.
Protein change: p.Thr912Ile; replaces threonine 912 with isoleucine.
Molecular consequence: missense variant.
Genome position (GRCh38, 1-based): chr17:61,686,006, G>A on the plus strand (C>T on the coding strand, the complement: BRIP1 is on the minus strand). VCF-style: chr17-61686006-G-A. GRCh37 (hg19) VCF-style: chr17-59763367-G-A.
Other names: short protein forms T912I.
Identifiers: ClinVar variation 3757346 (VCV003757346.3).

ClinVar aggregate classification (germline): Uncertain significance. Review status: criteria provided, multiple submitters, no conflicts (2 of 4 stars). 2 submissions from 2 submitters: Uncertain significance (2). Last evaluated 2025-01-19.

Conditions:
Fanconi anemia complementation group J. Also called: BRIP1-Related Fanconi Anemia. Identifiers: Orphanet 84, MedGen C1836860, MONDO:0012187, OMIM 609054.
Familial cancer of breast. Also called: BREAST CANCER, FAMILIAL; Hereditary breast cancer; hereditary breast carcinoma. Identifiers: Orphanet 227535, MedGen C0346153, MONDO:0016419, OMIM 114480. Disease mechanism: loss of function.
Hereditary cancer-predisposing syndrome. Also called: Neoplastic Syndromes, Hereditary; Tumor predisposition; Hereditary Cancer Syndrome; Hereditary neoplastic syndrome. Identifiers: Orphanet 140162, MedGen C0027672, MeSH D009386, MONDO:0015356.

gnomAD v4.1: 2 of 1,613,952 alleles (0.00012%); highest among the groups gnomAD compares: Admixed American, 0.0017%; no homozygotes.

Submissions (2):

Ambry Genetics
Classification: Uncertain significance for Hereditary cancer-predisposing syndrome. Last evaluated: 2025-01-19. Review status: criteria provided, single submitter. Criteria: Ambry Variant Classification Scheme 2023. Collection method: clinical testing. Allele origin: germline.
Comment: The p.T912I variant (also known as c.2735C>T), located in coding exon 18 of the BRIP1 gene, results from a C to T substitution at nucleotide position 2735. The threonine at codon 912 is replaced by isoleucine, an amino acid with similar properties. This amino acid position is conserved. In addition, this alteration is predicted to be tolerated by in silico analysis. Based on the available evidence, the clinical significance of this variant remains unclear.

Labcorp Genetics (formerly Invitae), Labcorp
Classification: Uncertain significance for Familial cancer of breast; Fanconi anemia complementation group J. Last evaluated: 2024-07-23. Review status: criteria provided, single submitter. Criteria: Invitae Variant Classification Sherloc (09022015). Collection method: clinical testing. Allele origin: germline.
Comment: This sequence change replaces threonine, which is neutral and polar, with isoleucine, which is neutral and non-polar, at codon 912 of the BRIP1 protein (p.Thr912Ile). This variant is present in population databases (no rsID available, gnomAD 0.003%). This variant has not been reported in the literature in individuals affected with BRIP1-related conditions. Advanced modeling of protein sequence and biophysical properties (such as structural, functional, and spatial information, amino acid conservation, physicochemical variation, residue mobility, and thermodynamic stability) performed at Invitae indicates that this missense variant is not expected to disrupt BRIP1 protein function with a negative predictive value of 80%. In summary, the available evidence is currently insufficient to determine the role of this variant in disease. Therefore, it has been classified as a Variant of Uncertain Significance.